The following is an entry in ClinVar:

NM_000268.4(NF2):c.678T>A (p.Asn226Lys)

Gene: NF2 (NF2, moesin-ezrin-radixin like (MERLIN) tumor suppressor; plus strand). Cytogenetic location: 22q12.2.
Variant type: single nucleotide variant.
Coding change: c.678T>A on transcript NM_000268.4 (MANE Select); coding-DNA position 678, T replaced by A.
Protein change: p.Asn226Lys; replaces asparagine 226 with lysine.
Molecular consequence: missense variant. On other transcripts: non-coding transcript variant (1), intron variant (4).
Genome position (GRCh38, 1-based): chr22:29,661,207, T>A. VCF-style: chr22-29661207-T-A. GRCh37 (hg19) VCF-style: chr22-30057196-T-A.
Other names: c.564T>A, p.Asn188Lys (NM_001407053.1, NM_001407056.1); c.555T>A, p.Asn185Lys (NM_001407054.1, NM_001407058.1, NM_181829.3); c.552T>A, p.Asn184Lys (NM_001407055.1, NM_181828.3); c.678T>A, p.Asn226Lys (NM_001407060.1, NM_001407066.1, NM_016418.5 and 2 more transcripts); c.429T>A, p.Asn143Lys (NM_001407063.1, NM_001407064.1, NM_181830.3 and 1 more transcripts); c.144T>A, p.Asn48Lys (NM_001407065.1); c.447T>A, p.Asn149Lys (NM_001407067.1); c.675+2943T>A (NM_001407059.1, NM_001407057.1); and 2 more; short protein forms N185K, N226K, N48K, N149K, N188K, N143K, N184K.
Identifiers: ClinVar variation 2453833 (VCV002453833.2), dbSNP rs2518595428, ClinGen allele CA411143658.
Genomic context (GRCh38, chr22:29,661,207, plus strand): 5'-GAATAAAATTTTGAGCCTCAGCTGGCGCTTACAGTAGCTGTTCTTATTGGATCCACAGAA[T>A]AAAAAGGGCACAGAGCTGCTGCTTGGAGTGGATGCCCTGGGGCTTCACATTTATGACCCT-3'
Protein context (NP_000259.1, residues 216-236): MYGVNYFAIR[Asn226Lys]KKGTELLLGV

ClinVar aggregate classification (germline): Uncertain significance (1 of 4 stars; one submission).

Conditions:
Hereditary cancer-predisposing syndrome. Also called: Neoplastic Syndromes, Hereditary; Hereditary neoplastic syndrome; Tumor predisposition; Hereditary Cancer Syndrome. Identifiers: Orphanet 140162, MedGen C0027672, MeSH D009386, MONDO:0015356.

Submission:

Ambry Genetics
Classification: Uncertain significance for Hereditary cancer-predisposing syndrome. Last evaluated: 2023-01-18. Review status: criteria provided, single submitter. Criteria: Ambry Variant Classification Scheme 2023. Collection method: clinical testing. Allele origin: germline.
Comment: The p.N226K variant (also known as c.678T>A), located in coding exon 8 of the NF2 gene, results from a T to A substitution at nucleotide position 678. The asparagine at codon 226 is replaced by lysine, an amino acid with similar properties. This amino acid position is conserved. In addition, the in silico prediction for this alteration is inconclusive. Since supporting evidence is limited at this time, the clinical significance of this alteration remains unclear.